The following is an entry in ClinVar:

NM_000059.4(BRCA2):c.4552G>T (p.Glu1518Ter)

Gene: BRCA2 (BRCA2 DNA repair associated; plus strand). Cytogenetic location: 13q13.1.
Variant type: single nucleotide variant.
Coding change: c.4552G>T on transcript NM_000059.4 (MANE Select); coding-DNA position 4552, G replaced by T.
Protein change: p.Glu1518Ter; replaces glutamic acid 1518 with a stop codon.
Molecular consequence: nonsense.
Genome position (GRCh38, 1-based): chr13:32,338,907, G>T. VCF-style: chr13-32338907-G-T. GRCh37 (hg19) VCF-style: chr13-32913044-G-T.
Other names: short protein forms E1518*.
Identifiers: ClinVar variation 51670 (VCV000051670.9), dbSNP rs397507727, ClinGen allele CA020419.
Genomic context (GRCh38, chr13:32,338,907, plus strand): 5'-GGTACTGGAAATCAACTAGTGACCTTCCAGGGACAACCCGAACGTGATGAAAAGATCAAA[G>T]AACCTACTCTATTGGGTTTTCATACAGCTAGCGGGAAAAAAGTTAAAATTGCAAAGGAAT-3'

ClinVar aggregate classification (germline): Pathogenic. Review status: reviewed by expert panel (3 of 4 stars). 4 submissions from 4 submitters: Pathogenic (1). 3 of the submissions do not count toward it. Last evaluated 2016-09-08.

Conditions:
Hereditary cancer-predisposing syndrome. Also called: Hereditary Cancer Syndrome; Tumor predisposition; Neoplastic Syndromes, Hereditary; Hereditary neoplastic syndrome. Identifiers: Orphanet 140162, MedGen C0027672, MeSH D009386, MONDO:0015356.
Breast-ovarian cancer, familial, susceptibility to, 2 (BROVCA2). Also called: BRCA2 Hereditary Breast and Ovarian Cancer. Identifiers: Orphanet 145, MedGen C2675520, MONDO:0012933, OMIM 612555. Disease mechanism: loss of function.

Allele frequency attached by ClinVar (database versions not stated): gnomAD exomes below 0.00001; ExAC 0.00001.

Submissions (4):

Evidence-based Network for the Interpretation of Germline Mutant Alleles (ENIGMA)
Classification: Pathogenic for Breast-ovarian cancer, familial, susceptibility to, 2. Last evaluated: 2016-09-08. Review status: reviewed by expert panel. Criteria: ENIGMA BRCA1/2 Classification Criteria (2015). Collection method: curation. Allele origin: germline.
Comment: Variant allele predicted to encode a truncated non-functional protein.

CeGaT Center for Human Genetics Tuebingen
Classification: Pathogenic. Last evaluated: 2026-04-01. Review status: criteria provided, single submitter. Criteria: CeGaT Center For Human Genetics Tuebingen Variant Classification Criteria Version 2. Collection method: clinical testing. Allele origin: germline. Affected: yes. Observed: 1 variant allele. Not counted in ClinVar's aggregate classification.
Comment: BRCA2: PVS1, PM2, PS4:Moderate

Color Diagnostics, LLC DBA Color Health
Classification: Pathogenic for Hereditary cancer-predisposing syndrome. Last evaluated: 2022-09-12. Review status: criteria provided, single submitter. Criteria: ACMG Guidelines, 2015. Collection method: clinical testing. Allele origin: germline. Not counted in ClinVar's aggregate classification.
Comment: This variant changes 1 nucleotide in exon 11 of the BRCA2 gene, creating a premature translation stop signal. This variant is also known as 4780G>T in the literature. This variant is expected to result in an absent or non-functional protein product. This variant has been reported in at least 1 family affected with breast and ovarian cancer (PMID: 11897832, 29446198). This variant has been identified in 1/250510 chromosomes in the general population by the Genome Aggregation Database (gnomAD). Loss of BRCA2 function is a known mechanism of disease. Based on the available evidence, this variant is classified as Pathogenic.

GeneDx
Classification: Pathogenic. Last evaluated: 2016-08-26. Review status: criteria provided, single submitter. Criteria: GeneDx Variant Classification (06012015). Collection method: clinical testing. Allele origin: germline. Affected: yes. Not counted in ClinVar's aggregate classification.
Comment: This pathogenic variant is denoted BRCA2 c.4552G>T at the cDNA level and p.Glu1518Ter (E1518X) at the protein level. The substitution creates a nonsense variant, which changes a Glutamic Acid to a premature stop codon (GAA>TAA) , and is predicted to cause loss of normal protein function through either protein truncation or nonsense-mediated mRNA decay. This variant, also known as 4780G>T by alternate nomenclature, has been identified in at least one hereditary breast/ovarian cancer family (Hamann 2002) and is considered pathogenic.

Literature cited by the submitters: PubMed 11897832 (cited by Color Diagnostics, LLC DBA Color Health); PubMed 29446198 (cited by Color Diagnostics, LLC DBA Color Health).